The following is an entry in ClinVar:

ClinVar aggregate classification (germline): Likely pathogenic (1 of 4 stars; one submission).

Conditions:
Neuronal ceroid lipofuscinosis 7 (CLN7). Also called: MFSD8-Related Neuronal Ceroid-Lipofuscinosis. Identifiers: Orphanet 168491, Orphanet 228366, MedGen C1838571, MONDO:0012588, OMIM 610951.

gnomAD v4.1: 2 of 1,613,888 alleles (0.00012%); highest among the groups gnomAD compares: Non-Finnish European, 0.00017%; no homozygotes.

Submission:

Neuberg Centre For Genomic Medicine, NCGM
Classification: Likely pathogenic for Neuronal ceroid lipofuscinosis 7. Last evaluated: 2023-07-22. Review status: criteria provided, single submitter. Criteria: ACMG Guidelines, 2015. Collection method: clinical testing. Allele origin: germline. Inheritance: Autosomal recessive inheritance. Affected: yes.
Comment: The observed stop gained variant c.1367G>Ap.Trp456Ter in the MFSD8 gene has not been reported previously as a pathogenic variant nor as a benign variant, to our knowledge. This variant is absent in the gnomAD Exomes. This variant is predicted to cause loss of normal protein function either through protein truncation or nonsense-mediated mRNA decay. Loss of function variants have been previously reported to be disease causing Qiao Y, et al., 2022. Computational evidence MutationTaster - Disease causing predicts damaging effect on protein structure and function for this variant. Though this variant is present in the last exon there are three pathogenic/likely pathogenic variants reported beyond this position in ClinVar database. For these reasons, this variant has been classified as Likely Pathogenic.

NM_001371596.2(MFSD8):c.1367G>A (p.Trp456Ter)

Gene: MFSD8 (major facilitator superfamily domain containing 8; minus strand). Cytogenetic location: 4q28.2.
Variant type: single nucleotide variant.
Coding change: c.1367G>A on transcript NM_001371596.2 (MANE Select); coding-DNA position 1367, G replaced by A.
Protein change: p.Trp456Ter; replaces tryptophan 456 with a stop codon.
Molecular consequence: nonsense. On other transcripts: 3 prime UTR variant (1).
Genome position (GRCh38, 1-based): chr4:127,920,820, C>T on the plus strand (G>A on the coding strand, the complement: MFSD8 is on the minus strand). VCF-style: chr4-127920820-C-T. GRCh37 (hg19) VCF-style: chr4-128841975-C-T.
Other names: c.1166G>A, p.Trp389Ter (NM_001363520.3); c.1052G>A, p.Trp351Ter (NM_001363521.3); c.1232G>A, p.Trp411Ter (NM_001371590.2); c.1376G>A, p.Trp459Ter (NM_001371591.2); c.1373G>A, p.Trp458Ter (NM_001371592.2); c.1253G>A, p.Trp418Ter (NM_001371593.2); c.1220G>A, p.Trp407Ter (NM_001371594.2); c.1085G>A, p.Trp362Ter (NM_001371595.1); and 3 more; short protein forms W306*, W351*, W362*, W389*, W407*, W411*, W418*, W456*.
Identifiers: ClinVar variation 3391307 (VCV003391307.1).